The following is an entry in ClinVar:

NM_001379291.1(BRD4):c.157C>T (p.Pro53Ser)

Gene: BRD4 (bromodomain containing 4; minus strand). Cytogenetic location: 19p13.12.
Variant type: single nucleotide variant.
Coding change: c.157C>T on transcript NM_001379291.1 (MANE Select); coding-DNA position 157, C replaced by T.
Protein change: p.Pro53Ser; replaces proline 53 with serine.
Molecular consequence: missense variant.
Genome position (GRCh38, 1-based): chr19:15,272,943, G>A on the plus strand (C>T on the coding strand, the complement: BRD4 is on the minus strand). VCF-style: chr19-15272943-G-A. GRCh37 (hg19) VCF-style: chr19-15383754-G-A.
Other names: c.157C>T, p.Pro53Ser (NM_001330384.2, NM_001379292.1, NM_014299.3 and 1 more transcripts); short protein forms P53S.
Identifiers: ClinVar variation 4083059 (VCV004083059.1).

ClinVar aggregate classification (germline): Uncertain significance (1 of 4 stars; one submission).

Submission:

GeneDx
Classification: Uncertain significance. Last evaluated: 2025-03-12. Review status: criteria provided, single submitter. Criteria: GeneDx Variant Classification Process June 2021. Collection method: clinical testing. Allele origin: germline. Affected: yes.
Comment: Not observed at significant frequency in large population cohorts (gnomAD); In silico analysis supports that this missense variant has a deleterious effect on protein structure/function; Has not been previously published as pathogenic or benign to our knowledge